The following is an entry in ClinVar:

NM_001367624.2(ZNF469):c.4993C>A (p.His1665Asn)

Gene: ZNF469 (zinc finger protein 469; plus strand). Cytogenetic location: 16q24.2.
Variant type: single nucleotide variant.
Coding change: c.4993C>A on transcript NM_001367624.2 (MANE Select); coding-DNA position 4993, C replaced by A.
Protein change: p.His1665Asn; replaces histidine 1665 with asparagine.
Molecular consequence: missense variant.
Genome position (GRCh38, 1-based): chr16:88,432,463, C>A. VCF-style: chr16-88432463-C-A. GRCh37 (hg19) VCF-style: chr16-88498871-C-A.
Other names: NM_001127464.1:c.4909C>A; short protein forms H1665N.
Identifiers: ClinVar variation 2414954 (VCV002414954.6), dbSNP rs746317483, ClinGen allele CA286376898.

ClinVar aggregate classification (germline): Uncertain significance. Review status: criteria provided, multiple submitters, no conflicts (2 of 4 stars). 3 submissions from 3 submitters: Uncertain significance (3). Last evaluated 2025-12-15.

Conditions:
Cardiovascular phenotype. Identifiers: MedGen CN230736.

gnomAD v4.1: 8 of 1,550,356 alleles (0.00052%); highest among the groups gnomAD compares: Non-Finnish European, 0.00061%; no homozygotes.

Submissions (3):

Labcorp Genetics (formerly Invitae), Labcorp
Classification: Uncertain significance. Last evaluated: 2025-12-15. Review status: criteria provided, single submitter. Criteria: Invitae Variant Classification Sherloc (09022015). Collection method: clinical testing. Allele origin: germline.
Comment: This sequence change replaces histidine, which is basic and polar, with asparagine, which is neutral and polar, at codon 1637 of the ZNF469 protein (p.His1637Asn). This variant is not present in population databases (gnomAD no frequency). This variant has not been reported in the literature in individuals affected with ZNF469-related conditions. ClinVar contains an entry for this variant (Variation ID: 2414954). An algorithm developed to predict the effect of missense changes on protein structure and function outputs the following: PolyPhen-2: "Benign". The asparagine amino acid residue is found in multiple mammalian species, which suggests that this missense change does not adversely affect protein function. In summary, the available evidence is currently insufficient to determine the role of this variant in disease. Therefore, it has been classified as a Variant of Uncertain Significance.

Ambry Genetics
Classification: Uncertain significance for Cardiovascular phenotype. Last evaluated: 2025-05-08. Review status: criteria provided, single submitter. Criteria: Ambry Variant Classification Scheme 2023. Collection method: clinical testing. Allele origin: germline.
Comment: The p.H1637N variant (also known as c.4909C>A), located in coding exon 2 of the ZNF469 gene, results from a C to A substitution at nucleotide position 4909. The histidine at codon 1637 is replaced by asparagine, an amino acid with similar properties. This amino acid position is conserved. In addition, this alteration is predicted to be tolerated by in silico analysis. Based on the available evidence, the clinical significance of this variant remains unclear.

GeneDx
Classification: Uncertain significance. Last evaluated: 2024-03-29. Review status: criteria provided, single submitter. Criteria: GeneDx Variant Classification Process June 2021. Collection method: clinical testing. Allele origin: germline. Affected: yes.
Comment: Has not been previously published as pathogenic or benign to our knowledge; Not observed at significant frequency in large population cohorts (gnomAD); In silico analysis supports that this missense variant does not alter protein structure/function